The following is an entry in ClinVar:

ClinVar aggregate classification (germline): Likely pathogenic (1 of 4 stars; one submission).

Conditions:
Autosomal recessive Alport syndrome (ATS2). Also called: ALPORT SYNDROME 2, AUTOSOMAL RECESSIVE; COL4A4 Alport Syndrome and Thin Basement Membrane Nephropathy; COL4A3-Related Nephropathy; Alport syndrome type 2. Identifiers: Orphanet 63, Orphanet 88919, MedGen C4746745, MONDO:0008762, OMIM 203780.

Submission:

MVZ Medizinische Genetik Mainz
Classification: Likely pathogenic for Autosomal recessive Alport syndrome. Last evaluated: 2022-11-02. Review status: criteria provided, single submitter. Criteria: UK Practice Guidelines For Variant Classification V4 01 2020. Collection method: clinical testing. Allele origin: germline. Inheritance: Autosomal dominant inheritance. Affected: yes. Observed: 2 variant alleles.
Comment: ACMG Criteria: PM1_STR, PS4_SUP, PM2_SUP, PP3, PP4 (ACMG Version 3)

NM_000092.5(COL4A4):c.2074G>A (p.Gly692Ser)

Gene: COL4A4 (collagen type IV alpha 4 chain; minus strand). Cytogenetic location: 2q36.3.
Variant type: single nucleotide variant.
Coding change: c.2074G>A on transcript NM_000092.5 (MANE Select); coding-DNA position 2074, G replaced by A.
Protein change: p.Gly692Ser; replaces glycine 692 with serine.
Molecular consequence: missense variant.
Genome position (GRCh38, 1-based): chr2:227,060,226, C>T on the plus strand (G>A on the coding strand, the complement: COL4A4 is on the minus strand). VCF-style: chr2-227060226-C-T. GRCh37 (hg19) VCF-style: chr2-227924942-C-T.
Other names: short protein forms G692S.
Identifiers: ClinVar variation 3066203 (VCV003066203.1), dbSNP rs1353512742, ClinGen allele CA350842442.